The following is an entry in ClinVar:

ClinVar aggregate classification (germline): Uncertain significance. Review status: criteria provided, multiple submitters, no conflicts (2 of 4 stars). 2 submissions from 2 submitters: Uncertain significance (2). Last evaluated 2023-11-29.

Allele frequency attached by ClinVar (database versions not stated): TOPMed 0.00002; ExAC 0.00003.
gnomAD v4.1: 76 of 1,613,938 alleles (0.0047%); highest among the groups gnomAD compares: Non-Finnish European, 0.006%; no homozygotes.

Submissions (2):

Ambry Genetics
Classification: Uncertain significance. Last evaluated: 2023-11-29. Review status: criteria provided, single submitter. Criteria: Ambry Variant Classification Scheme 2023. Collection method: clinical testing. Allele origin: germline.

Labcorp Genetics (formerly Invitae), Labcorp
Classification: Uncertain significance. Last evaluated: 2022-05-17. Review status: criteria provided, single submitter. Criteria: Invitae Variant Classification Sherloc (09022015). Collection method: clinical testing. Allele origin: germline.
Comment: This sequence change replaces valine, which is neutral and non-polar, with isoleucine, which is neutral and non-polar, at codon 37 of the RCBTB1 protein (p.Val37Ile). This variant is present in population databases (rs766226482, gnomAD 0.004%). This variant has not been reported in the literature in individuals affected with RCBTB1-related conditions. ClinVar contains an entry for this variant (Variation ID: 860169). Algorithms developed to predict the effect of missense changes on protein structure and function (SIFT, PolyPhen-2, Align-GVGD) all suggest that this variant is likely to be tolerated. In summary, the available evidence is currently insufficient to determine the role of this variant in disease. Therefore, it has been classified as a Variant of Uncertain Significance.

NM_018191.4(RCBTB1):c.109G>A (p.Val37Ile)

Gene: RCBTB1 (RCC1 and BTB domain containing protein 1; minus strand). Cytogenetic location: 13q14.2.
Variant type: single nucleotide variant.
Coding change: c.109G>A on transcript NM_018191.4 (MANE Select); coding-DNA position 109, G replaced by A.
Protein change: p.Val37Ile; replaces valine 37 with isoleucine.
Molecular consequence: missense variant. On other transcripts: 5 prime UTR variant (1), non-coding transcript variant (2).
Genome position (GRCh38, 1-based): chr13:49,567,171, C>T on the plus strand (G>A on the coding strand, the complement: RCBTB1 is on the minus strand). VCF-style: chr13-49567171-C-T. GRCh37 (hg19) VCF-style: chr13-50141307-C-T.
Other names: c.109G>A, p.Val37Ile (NM_001352500.2, NM_001352501.2, NM_001352502.2 and 3 more transcripts); c.-501G>A (NM_001352506.2); short protein forms V37I.
Identifiers: ClinVar variation 860169 (VCV000860169.5), dbSNP rs766226482, ClinGen allele CA6983021.